The following is an entry in ClinVar:

ClinVar aggregate classification (germline): Uncertain significance (1 of 4 stars; one submission).

Allele frequency attached by ClinVar (database versions not stated): gnomAD exomes below 0.00001.
gnomAD v4.1: 1 of 1,613,906 alleles (0.000062%); highest among the groups gnomAD compares: Non-Finnish European, 0.000085%; no homozygotes.

Submission:

GeneDx
Classification: Uncertain significance. Last evaluated: 2022-08-13. Review status: criteria provided, single submitter. Criteria: GeneDx Variant Classification Process June 2021. Collection method: clinical testing. Allele origin: germline. Affected: yes.
Comment: Not observed at significant frequency in large population cohorts (gnomAD); In silico analysis supports that this missense variant has a deleterious effect on protein structure/function; Has not been previously published as pathogenic or benign to our knowledge

NM_006852.6(TLK2):c.1034G>A (p.Arg345Gln)

Gene: TLK2 (tousled like kinase 2; plus strand). Cytogenetic location: 17q23.2.
Variant type: single nucleotide variant.
Coding change: c.1034G>A on transcript NM_006852.6 (MANE Select); coding-DNA position 1034, G replaced by A.
Protein change: p.Arg345Gln; replaces arginine 345 with glutamine.
Molecular consequence: missense variant.
Genome position (GRCh38, 1-based): chr17:62,573,280, G>A. VCF-style: chr17-62573280-G-A. GRCh37 (hg19) VCF-style: chr17-60650641-G-A.
Other names: c.1034G>A, p.Arg345Gln (NM_001284333.3, NM_001375270.1, NM_001375271.1); c.938G>A, p.Arg313Gln (NM_001284363.1, NM_001375272.1); c.587G>A, p.Arg196Gln (NM_001330418.3, NM_001375273.1); c.1076G>A, p.Arg359Gln (NM_001375269.1); c.749G>A, p.Arg250Gln (NM_001411074.1); short protein forms R196Q, R250Q, R313Q, R345Q, R359Q.
Identifiers: ClinVar variation 2429612 (VCV002429612.1), dbSNP rs1307767111, ClinGen allele CA400501373.